The following is an entry in ClinVar:

ClinVar aggregate classification (germline): Uncertain significance (1 of 4 stars; one submission).

Conditions:
Cardiovascular phenotype. Identifiers: MedGen CN230736.

Allele frequency attached by ClinVar (database versions not stated): gnomAD exomes 0.00001.
gnomAD v4.1: 13 of 1,614,098 alleles (0.00081%); highest among the groups gnomAD compares: South Asian, 0.011%; no homozygotes.

Submission:

Ambry Genetics
Classification: Uncertain significance for Cardiovascular phenotype. Last evaluated: 2025-05-24. Review status: criteria provided, single submitter. Criteria: Ambry Variant Classification Scheme 2023. Collection method: clinical testing. Allele origin: germline.
Comment: The p.S311T variant (also known as c.932G>C), located in coding exon 8 of the ABCG5 gene, results from a G to C substitution at nucleotide position 932. The serine at codon 311 is replaced by threonine, an amino acid with similar properties. This amino acid position is conserved. In addition, this alteration is predicted to be tolerated by in silico analysis. Based on the available evidence, the clinical significance of this variant remains unclear.

NM_022436.3(ABCG5):c.932G>C (p.Ser311Thr)

Genes: ABCG5 (ATP binding cassette subfamily G member 5; minus strand), DYNC2LI1 (dynein cytoplasmic 2 light intermediate chain 1; plus strand). Cytogenetic location: 2p21.
Variant type: single nucleotide variant.
Coding change: c.932G>C on transcript NM_022436.3 (MANE Select); coding-DNA position 932, G replaced by C.
Protein change: p.Ser311Thr; replaces serine 311 with threonine.
Molecular consequence: missense variant. On other transcripts: intron variant (2).
Genome position (GRCh38, 1-based): chr2:43,824,405, C>G on the plus strand (G>C on the coding strand, the complement: ABCG5 is on the minus strand). VCF-style: chr2-43824405-C-G. GRCh37 (hg19) VCF-style: chr2-44051544-C-G.
Other names: c.*16-2981C>G (NM_001348913.2, NM_001348912.2); short protein forms S311T.
Identifiers: ClinVar variation 3129878 (VCV003129878.2), dbSNP rs1454959267, ClinGen allele CA346664936.